The following is an entry in ClinVar:

ClinVar aggregate classification (germline): Uncertain significance. Review status: criteria provided, multiple submitters, no conflicts (2 of 4 stars). 3 submissions from 3 submitters: Uncertain significance (3). Last evaluated 2025-05-05.

Conditions:
Autosomal dominant osteopetrosis 1 (OPTA1). Also called: OSTEOPETROSIS, AUTOSOMAL DOMINANT, TYPE I. Identifiers: Orphanet 2783, MedGen C1843330, MONDO:0011877, OMIM 607634.
Polycystic liver disease 4 with or without kidney cysts. Identifiers: MedGen C4693479, MONDO:0044327, OMIM 617875.
Exudative vitreoretinopathy 4 (EVR4). Identifiers: Orphanet 891, MedGen C1866176, MONDO:0011151, OMIM 601813.
Osteoporosis with pseudoglioma (OPPG). Also called: osteoporosis-pseudoglioma syndrome. Identifiers: Orphanet 2788, MedGen C0432252, MONDO:0009820, OMIM 259770.
Bone mineral density quantitative trait locus 1 (BMND1). Identifiers: MedGen C1866079, OMIM 601884.
Worth disease. Also called: Autosomal dominant osteosclerosis, Worth type; ENDOSTEAL HYPEROSTOSIS, AUTOSOMAL DOMINANT; OSTEOSCLEROSIS, AUTOSOMAL DOMINANT. Identifiers: Orphanet 2790, MedGen C0432273, MONDO:0007764, OMIM 144750.

Allele frequency attached by ClinVar (database versions not stated): ExAC 0.00001; gnomAD exomes 0.00001; TOPMed 0.00002.
gnomAD v4.1: 14 of 1,612,922 alleles (0.00087%); highest among the groups gnomAD compares: Middle Eastern, 0.033%; no homozygotes.

Submissions (3):

Labcorp Genetics (formerly Invitae), Labcorp
Classification: Uncertain significance. Last evaluated: 2025-05-05. Review status: criteria provided, single submitter. Criteria: Invitae Variant Classification Sherloc (09022015). Collection method: clinical testing. Allele origin: germline.
Comment: This sequence change replaces glycine, which is neutral and non-polar, with serine, which is neutral and polar, at codon 1442 of the LRP5 protein (p.Gly1442Ser). This variant is present in population databases (rs778882996, gnomAD 0.0009%). This variant has not been reported in the literature in individuals affected with LRP5-related conditions. ClinVar contains an entry for this variant (Variation ID: 1467665). Invitae Evidence Modeling of protein sequence and biophysical properties (such as structural, functional, and spatial information, amino acid conservation, physicochemical variation, residue mobility, and thermodynamic stability) indicates that this missense variant is not expected to disrupt LRP5 protein function with a negative predictive value of 95%. In summary, the available evidence is currently insufficient to determine the role of this variant in disease. Therefore, it has been classified as a Variant of Uncertain Significance.

Women's Health and Genetics/Laboratory Corporation of America, LabCorp
Classification: Uncertain significance. Last evaluated: 2024-10-25. Review status: criteria provided, single submitter. Criteria: LabCorp Variant Classification Summary - May 2015. Collection method: clinical testing. Allele origin: germline.
Comment: Variant summary: LRP5 c.4324G>A (p.Gly1442Ser) results in a non-conservative amino acid change in the encoded protein sequence. Four of five in-silico tools predict a benign effect of the variant on protein function. The variant allele was found at a frequency of 8e-06 in 248736 control chromosomes. The available data on variant occurrences in the general population are insufficient to allow any conclusion about variant significance. To our knowledge, no occurrence of c.4324G>A in individuals affected with Familial Exudative Vitreoretinopathy and no experimental evidence demonstrating its impact on protein function have been reported. ClinVar contains an entry for this variant (Variation ID: 1467665). Based on the evidence outlined above, the variant was classified as uncertain significance.

Fulgent Genetics
Classification: Uncertain significance for Worth disease; Osteoporosis with pseudoglioma; Exudative vitreoretinopathy 4; Bone mineral density quantitative trait locus 1; Autosomal dominant osteopetrosis 1; Polycystic liver disease 4 with or without kidney cysts. Last evaluated: 2024-01-29. Review status: criteria provided, single submitter. Criteria: ACMG Guidelines, 2015. Collection method: clinical testing. Allele origin: germline.

NM_002335.4(LRP5):c.4324G>A (p.Gly1442Ser)

Gene: LRP5 (LDL receptor related protein 5; plus strand). Cytogenetic location: 11q13.2.
Variant type: single nucleotide variant.
Coding change: c.4324G>A on transcript NM_002335.4 (MANE Select); coding-DNA position 4324, G replaced by A.
Protein change: p.Gly1442Ser; replaces glycine 1442 with serine.
Molecular consequence: missense variant.
Genome position (GRCh38, 1-based): chr11:68,438,658, G>A. VCF-style: chr11-68438658-G-A. GRCh37 (hg19) VCF-style: chr11-68206126-G-A.
Other names: c.2581G>A, p.Gly861Ser (NM_001291902.2); short protein forms G1442S, G861S.
Identifiers: ClinVar variation 1467665 (VCV001467665.9), dbSNP rs778882996, ClinGen allele CA6150314.